The following is an entry in ClinVar:

NM_006914.4(RORB):c.1065C>T (p.Thr355=)

Gene: RORB (RAR related orphan receptor B; plus strand). Cytogenetic location: 9q21.13.
Variant type: single nucleotide variant.
Coding change: c.1065C>T on transcript NM_006914.4 (MANE Select); coding-DNA position 1065, C replaced by T.
Protein change: p.Thr355=; no amino-acid change (threonine 355 retained).
Molecular consequence: synonymous variant.
Genome position (GRCh38, 1-based): chr9:74,667,855, C>T. VCF-style: chr9-74667855-C-T. GRCh37 (hg19) VCF-style: chr9-77282771-C-T.
Other names: c.1098C>T, p.Thr366= (NM_001365023.1).
Identifiers: ClinVar variation 2895843 (VCV002895843.7), dbSNP rs371575898, ClinGen allele CA5083526.

ClinVar aggregate classification (germline): Likely benign. Review status: criteria provided, multiple submitters, no conflicts (2 of 4 stars). 2 submissions from 2 submitters: Likely benign (2). Last evaluated 2026-03-01.

Allele frequency attached by ClinVar (database versions not stated): TOPMed below 0.00001; gnomAD 0.00001; ExAC 0.00002; ESP Exome Variant Server 0.00008.
gnomAD v4.1: 7 of 1,613,402 alleles (0.00043%); highest among the groups gnomAD compares: African/African-American, 0.0013%; no homozygotes.

Submissions (2):

CeGaT Center for Human Genetics Tuebingen
Classification: Likely benign. Last evaluated: 2026-03-01. Review status: criteria provided, single submitter. Criteria: CeGaT Center For Human Genetics Tuebingen Variant Classification Criteria Version 2. Collection method: clinical testing. Allele origin: germline. Affected: yes. Observed: 1 variant allele.
Comment: RORB: BP4, BP7

Labcorp Genetics (formerly Invitae), Labcorp
Classification: Likely benign. Last evaluated: 2025-12-19. Review status: criteria provided, single submitter. Criteria: Invitae Variant Classification Sherloc (09022015). Collection method: clinical testing. Allele origin: germline.